The following is an entry in ClinVar:

NM_003242.6(TGFBR2):c.221C>T (p.Thr74Ile)

Gene: TGFBR2 (transforming growth factor beta receptor 2; plus strand). Cytogenetic location: 3p24.1.
Variant type: single nucleotide variant.
Coding change: c.221C>T on transcript NM_003242.6 (MANE Select); coding-DNA position 221, C replaced by T.
Protein change: p.Thr74Ile; replaces threonine 74 with isoleucine.
Molecular consequence: missense variant.
Genome position (GRCh38, 1-based): chr3:30,644,873, C>T. VCF-style: chr3-30644873-C-T. GRCh37 (hg19) VCF-style: chr3-30686365-C-T.
Other names: c.296C>T, p.Thr99Ile (NM_001024847.3, NM_001407126.1, NM_001407139.1); c.221C>T, p.Thr74Ile (NM_001407127.1, NM_001407130.1); c.248C>T, p.Thr83Ile (NM_001407128.1); c.116C>T, p.Thr39Ile (NM_001407129.1, NM_001407132.1, NM_001407133.1 and 3 more transcripts); short protein forms T39I, T74I, T83I, T99I.
Identifiers: ClinVar variation 2070746 (VCV002070746.4), dbSNP rs2470510297, ClinGen allele CA351806585.
Genomic context (GRCh38, chr3:30,644,873, plus strand): 5'-GTGATGTGAGATTTTCCACCTGTGACAACCAGAAATCCTGCATGAGCAACTGCAGCATCA[C>T]CTCCATCTGTGAGAAGCCACAGGAAGTCTGTGTGGCTGTATGGTAAGCAAGCCTTTTAAG-3'
Protein context (NP_003233.4, residues 64-84): QKSCMSNCSI[Thr74Ile]SICEKPQEVC

ClinVar aggregate classification (germline): Uncertain significance (1 of 4 stars; one submission).

Conditions:
Familial thoracic aortic aneurysm and aortic dissection (TAAD). Also called: Thoracic aortic aneurysms and dissections. Identifiers: Orphanet 91387, MedGen C4707243, MONDO:0019625.

Submission:

Labcorp Genetics (formerly Invitae), Labcorp
Classification: Uncertain significance for Familial thoracic aortic aneurysm and aortic dissection. Last evaluated: 2022-08-02. Review status: criteria provided, single submitter. Criteria: Invitae Variant Classification Sherloc (09022015). Collection method: clinical testing. Allele origin: germline.
Comment: This variant has not been reported in the literature in individuals affected with TGFBR2-related conditions. This variant is not present in population databases (gnomAD no frequency). This sequence change replaces threonine, which is neutral and polar, with isoleucine, which is neutral and non-polar, at codon 74 of the TGFBR2 protein (p.Thr74Ile). In summary, the available evidence is currently insufficient to determine the role of this variant in disease. Therefore, it has been classified as a Variant of Uncertain Significance. Algorithms developed to predict the effect of missense changes on protein structure and function are either unavailable or do not agree on the potential impact of this missense change (SIFT: "Deleterious"; PolyPhen-2: "Probably Damaging"; Align-GVGD: "Class C15").